The following is an entry in ClinVar:

ClinVar aggregate classification (germline): Uncertain significance (1 of 4 stars; one submission).

Conditions:
Primary ciliary dyskinesia. Also called: Ciliary dyskinesia. Identifiers: Orphanet 244, MedGen C0008780, MONDO:0016575, HP:0012265.

gnomAD v4.1: 1 of 1,614,168 alleles (0.000062%); highest among the groups gnomAD compares: Non-Finnish European, 0.000085%; no homozygotes.

Submission:

Labcorp Genetics (formerly Invitae), Labcorp
Classification: Uncertain significance for Primary ciliary dyskinesia. Last evaluated: 2018-10-25. Review status: criteria provided, single submitter. Criteria: Invitae Variant Classification Sherloc (09022015). Collection method: clinical testing. Allele origin: germline.
Comment: This variant has not been reported in the literature in individuals with RSPH4A-related disease. This variant is not present in population databases (ExAC no frequency). This sequence change replaces proline with threonine at codon 49 of the RSPH4A protein (p.Pro49Thr). The proline residue is weakly conserved and there is a small physicochemical difference between proline and threonine. Algorithms developed to predict the effect of missense changes on protein structure and function (SIFT, PolyPhen-2, Align-GVGD) all suggest that this variant is likely to be tolerated, but these predictions have not been confirmed by published functional studies and their clinical significance is uncertain. In summary, the available evidence is currently insufficient to determine the role of this variant in disease. Therefore, it has been classified as a Variant of Uncertain Significance.

NM_001010892.3(RSPH4A):c.145C>A (p.Pro49Thr)

Genes: RSPH4A (radial spoke head component 4A; plus strand), LOC129997052 (ATAC-STARR-seq lymphoblastoid active region 24998; plus strand). Cytogenetic location: 6q22.1.
Variant type: single nucleotide variant.
Coding change: c.145C>A on transcript NM_001010892.3 (MANE Select); coding-DNA position 145, C replaced by A.
Protein change: p.Pro49Thr; replaces proline 49 with threonine.
Molecular consequence: missense variant.
Genome position (GRCh38, 1-based): chr6:116,616,768, C>A. VCF-style: chr6-116616768-C-A. GRCh37 (hg19) VCF-style: chr6-116937931-C-A.
Other names: c.145C>A, p.Pro49Thr (NM_001161664.2); short protein forms P49T.
Identifiers: ClinVar variation 647100 (VCV000647100.9), dbSNP rs983632022, ClinGen allele CA145923709.